The following is an entry in ClinVar:

ClinVar aggregate classification (germline): Conflicting classifications of pathogenicity. Review status: criteria provided, conflicting classifications (1 of 4 stars). 3 submissions from 3 submitters: Uncertain significance (2); Likely benign (1). Last evaluated 2025-07-14.

Conditions:
Inborn genetic diseases. Identifiers: MedGen C0950123, MeSH D030342.
Neuropathy, hereditary sensory, type 1F. Also called: HSN IF; Hereditary sensory neuropathy type IF. Identifiers: Orphanet 36386, MedGen C3810194, MONDO:0014286, OMIM 615632.

Allele frequency attached by ClinVar (database versions not stated): gnomAD 0.00001; gnomAD exomes 0.00001 and 0.00004; ExAC 0.00002; TOPMed 0.00003; ESP Exome Variant Server 0.00008.

Submissions (3):

Labcorp Genetics (formerly Invitae), Labcorp
Classification: Uncertain significance for Neuropathy, hereditary sensory, type 1F. Last evaluated: 2025-07-14. Review status: criteria provided, single submitter. Criteria: Invitae Variant Classification Sherloc (09022015). Collection method: clinical testing. Allele origin: germline.
Comment: This sequence change replaces leucine, which is neutral and non-polar, with phenylalanine, which is neutral and non-polar, at codon 46 of the ATL3 protein (p.Leu46Phe). This variant is present in population databases (rs372869718, gnomAD 0.008%). This variant has not been reported in the literature in individuals affected with ATL3-related conditions. ClinVar contains an entry for this variant (Variation ID: 806688). Invitae Evidence Modeling of protein sequence and biophysical properties (such as structural, functional, and spatial information, amino acid conservation, physicochemical variation, residue mobility, and thermodynamic stability) has been performed for this missense variant. However, the output from this modeling did not meet the statistical confidence thresholds required to predict the impact of this variant on ATL3 protein function. In summary, the available evidence is currently insufficient to determine the role of this variant in disease. Therefore, it has been classified as a Variant of Uncertain Significance.

Ambry Genetics
Classification: Likely benign for Inborn genetic diseases. Last evaluated: 2022-03-23. Review status: criteria provided, single submitter. Criteria: Ambry Variant Classification Scheme 2023. Collection method: clinical testing. Allele origin: germline.

CeGaT Center for Human Genetics Tuebingen
Classification: Uncertain significance. Last evaluated: 2016-10-01. Review status: criteria provided, single submitter. Criteria: CeGaT Center For Human Genetics Tuebingen Variant Classification Criteria Version 2. Collection method: clinical testing. Allele origin: germline. Affected: yes. Observed: 1 variant allele.

NM_015459.5(ATL3):c.138G>C (p.Leu46Phe)

Gene: ATL3 (atlastin GTPase 3; minus strand). Cytogenetic location: 11q13.1.
Variant type: single nucleotide variant.
Coding change: c.138G>C on transcript NM_015459.5 (MANE Select); coding-DNA position 138, G replaced by C.
Protein change: p.Leu46Phe; replaces leucine 46 with phenylalanine.
Molecular consequence: missense variant.
Genome position (GRCh38, 1-based): chr11:63,659,161, C>G on the plus strand (G>C on the coding strand, the complement: ATL3 is on the minus strand). VCF-style: chr11-63659161-C-G. GRCh37 (hg19) VCF-style: chr11-63426633-C-G.
Other names: c.84G>C, p.Leu28Phe (NM_001290048.2); short protein forms L28F, L46F.
Identifiers: ClinVar variation 806688 (VCV000806688.50), dbSNP rs372869718, ClinGen allele CA6063873.